The following is an entry in ClinVar:

NM_001042492.3(NF1):c.5350T>G (p.Tyr1784Asp)

Gene: NF1 (neurofibromin 1; plus strand). Cytogenetic location: 17q11.2.
Variant type: single nucleotide variant.
Coding change: c.5350T>G on transcript NM_001042492.3 (MANE Select); coding-DNA position 5350, T replaced by G.
Protein change: p.Tyr1784Asp; replaces tyrosine 1784 with aspartic acid.
Molecular consequence: missense variant.
Genome position (GRCh38, 1-based): chr17:31,327,580, T>G. VCF-style: chr17-31327580-T-G. GRCh37 (hg19) VCF-style: chr17-29654598-T-G.
Other names: c.5287T>G, p.Tyr1763Asp (NM_000267.4); short protein forms Y1784D, Y1763D.
Identifiers: ClinVar variation 1349694 (VCV001349694.8), dbSNP rs2151541060, ClinGen allele CA399009241.

ClinVar aggregate classification (germline): Uncertain significance (1 of 4 stars; one submission).

Conditions:
Neurofibromatosis, type 1 (NF1). Also called: VON RECKLINGHAUSEN DISEASE; Peripheral type neurofibromatosis; Neurofibromatosis, type I; NEUROFIBROMATOSIS, TYPE I, SOMATIC. Identifiers: Orphanet 636, MedGen C0027831, MONDO:0018975, OMIM 162200. Disease mechanism: loss of function.

Submission:

Labcorp Genetics (formerly Invitae), Labcorp
Classification: Uncertain significance for Neurofibromatosis, type 1. Last evaluated: 2021-04-28. Review status: criteria provided, single submitter. Criteria: Invitae Variant Classification Sherloc (09022015). Collection method: clinical testing. Allele origin: germline.
Comment: In summary, the available evidence is currently insufficient to determine the role of this variant in disease. Therefore, it has been classified as a Variant of Uncertain Significance. Advanced modeling of protein sequence and biophysical properties (such as structural, functional, and spatial information, amino acid conservation, physicochemical variation, residue mobility, and thermodynamic stability) performed at Invitae indicates that this missense variant is expected to disrupt NF1 protein function. This variant has not been reported in the literature in individuals with NF1-related conditions. This variant is not present in population databases (ExAC no frequency). This sequence change replaces tyrosine with aspartic acid at codon 1763 of the NF1 protein (p.Tyr1763Asp). The tyrosine residue is moderately conserved and there is a large physicochemical difference between tyrosine and aspartic acid.